The following is an entry in ClinVar:

ClinVar aggregate classification (germline): Pathogenic/Likely pathogenic. Review status: criteria provided, multiple submitters, no conflicts (2 of 4 stars). 11 submissions from 10 submitters: Pathogenic (1); Likely pathogenic (7). 3 of the submissions do not count toward it. Last evaluated 2026-09-15.

Conditions:
COL4A3-related disorder. Also called: COL4A3-related condition; COL4A3-Related Disorders.
Autosomal recessive Alport syndrome (ATS2). Also called: COL4A3-Related Nephropathy; COL4A4 Alport Syndrome and Thin Basement Membrane Nephropathy; ALPORT SYNDROME 2, AUTOSOMAL RECESSIVE; Alport syndrome type 2. Identifiers: Orphanet 63, Orphanet 88919, MedGen C4746745, MONDO:0008762, OMIM 203780.
Autosomal dominant Alport syndrome (ATS3A). Also called: ALPORT SYNDROME 3A, AUTOSOMAL DOMINANT; Alport syndrome dominant type; Renal failure and sensorineural hearing loss. Identifiers: Orphanet 63, Orphanet 88918, MedGen C5882663, MONDO:0007086, OMIM 104200.
Alport syndrome 3b, autosomal recessive. Identifiers: OMIM 620536, MedGen C5882699, MONDO:0957811.
Hematuria, benign familial, 2 (BFH2). Identifiers: MedGen C5830421, MONDO:0958186, OMIM 620320.
Alport syndrome. Also called: Hemorrhagic familial nephritis; Hemorrhagic hereditary nephritis; Congenital hereditary hematuria. Identifiers: Orphanet 63, MedGen C1567741, MONDO:0018965.

Allele frequency attached by ClinVar (database versions not stated): gnomAD exomes below 0.00001 and 0.00001; ExAC 0.00001; gnomAD 0.00001.
gnomAD v4.1: 5 of 1,613,730 alleles (0.00031%); highest among the groups gnomAD compares: East Asian, 0.0022%; no homozygotes.

Submissions (11):

PreventionGenetics, part of Exact Sciences
Classification: Pathogenic for COL4A3-related condition. Last evaluated: 2026-09-15. Review status: criteria provided, single submitter. Criteria: ACMG Guidelines, 2015. Collection method: clinical testing. Allele origin: germline.
Comment: The COL4A3 c.1909G>A variant is predicted to result in the amino acid substitution p.Gly637Arg. This variant was reported in the heterozygous state in an individual with Alport syndrome (Supplementary Table 1, Zhou et al. 2023. PubMed ID: 37097554). This variant is reported in 0.0056% of alleles in individuals of East Asian descent in gnomAD. This variant occurs at the conserved triple helical domain (residues 43-1438) of the COL4A3 protein, where substitutions of the glycine (Gly) residue are usually pathogenic (Hudson et al. 1993. PubMed ID: 8253711). In addition, at other glycine (Gly) residues within this domain, substitutions of a glycine (Gly) with an arginine (Arg) have been widely reported to be pathogenic for autosomal dominant or recessive COL4A3 nephropathy (see for example, p.Gly801Arg in Xie et al. 2014. PubMed ID: 25596306, autosomal dominant; p.Gly818Arg in Connaughton et al. 2019. PubMed ID: 30773290, autosomal dominant; p.Gly640Arg in Storey et al. 2013. PubMed ID: 24052634, autosomal recessive). Taken together, the c.1909G>A (p.Gly637Arg) variant is interpreted as pathogenic for both autosomal dominant and recessive COL4A3-related Alport syndrome spectrum disorders.

GeneDx
Classification: Likely pathogenic. Last evaluated: 2026-03-10. Review status: criteria provided, single submitter. Criteria: GeneDx Variant Classification Process June 2021. Collection method: clinical testing. Allele origin: germline.
Comment: Reported with a second variant on the opposite allele (in trans) in a patient with Alport syndrome in published literature; this variant was also found in the proband's father with thin basement membrane nephropathy and sibling for whom clinical information was not provided (PMID: 31477057); Affects a glycine residue in a Gly-X-Y motif in the triple helical region of the COL4A3 gene, where the majority of pathogenic missense variants occur, and is predicted to disrupt normal protein folding and function (HGMD; PMID: 10752524); Not observed at significant frequency in large population cohorts (gnomAD); In silico analysis supports that this missense variant has a deleterious effect on protein structure/function; This variant is associated with the following publications: (PMID: 34930753, 10752524, 34400539, 37097554, 31477057)

Labcorp Genetics (formerly Invitae), Labcorp
Classification: Likely pathogenic. Last evaluated: 2025-09-15. Review status: criteria provided, single submitter. Criteria: Invitae Variant Classification Sherloc (09022015). Collection method: clinical testing. Allele origin: germline.
Comment: This sequence change replaces glycine, which is neutral and non-polar, with arginine, which is basic and polar, at codon 637 of the COL4A3 protein (p.Gly637Arg). This variant is present in population databases (rs761686437, gnomAD 0.006%). This missense change has been observed in individual(s) with Alport syndrome and/or hematuria (PMID: 31477057, 34400539, 37097554; internal data). In at least one individual the data is consistent with being in trans (on the opposite chromosome) from a pathogenic variant. ClinVar contains an entry for this variant (Variation ID: 266007). Invitae Evidence Modeling of protein sequence and biophysical properties (such as structural, functional, and spatial information, amino acid conservation, physicochemical variation, residue mobility, and thermodynamic stability) has been performed for this missense variant. However, the output from this modeling did not meet the statistical confidence thresholds required to predict the impact of this variant on COL4A3 protein function. In summary, the currently available evidence indicates that the variant is pathogenic, but additional data are needed to prove that conclusively. Therefore, this variant has been classified as Likely Pathogenic.

Natera, Inc.
Classification: Likely pathogenic for Alport syndrome. Last evaluated: 2025-09-12. Review status: criteria provided, single submitter. Criteria: Natera Variant Classification Schema (03/2026). Collection method: clinical testing. Allele origin: germline.
Comment: The c.1909G>A variant in COL4A3 is a missense variant predicted to cause substitution of glycine to arginine at amino acid 637. This variant is rare in the general population with a frequency below the threshold expected for the associated phenotype(s). This variant has been observed in affected individual(s) with monoallelic occurrence (heterozygous/hemizygous) (PMID: 37097554, 38178635). This variant is located in a functionally critical region of the protein. Computational prediction algorithms indicate this variant is likely to affect gene or protein function. Given the available evidence, this variant is classified as Likely Pathogenic.

Victorian Clinical Genetics Services, Murdoch Childrens Research Institute
Classification: Likely pathogenic for Alport syndrome. Last evaluated: 2024-12-30. Review status: criteria provided, single submitter. Criteria: ACMG Guidelines, 2015. Collection method: clinical testing. Allele origin: germline. Affected: yes.
Comment: This variant is classified as Likely pathogenic. Evidence in support of pathogenic classification: Variant is present in gnomAD <0.01 (v2: 2 heterozygotes, 0 homozygotes); This variant has moderate previous evidence of pathogenicity in unrelated individuals. p.(Gly637Arg) was inherited from their father, who has thin basement membrane nephropathy and hearing impairment. This variant was also reported in the individual's asymptomatic brother, who did not inherit a second COL4A3 variant (PMID: 31477057). This variant has further been reported as heterozygous in an individual with Alport syndrome (PMID: 37097554) and has been classified as a VUS and likely pathogenic by clinical laboratories in ClinVar; Variant is located in the well-established functional Gly-X-Y motif and affects a glycine residue (DECIPHER); Missense variant consistently predicted to be damaging by multiple in silico tools or highly conserved with a major amino acid change. Additional information: Variant is predicted to result in a missense amino acid change from glycine to arginine; This variant is heterozygous; This gene is associated with both recessive and dominant Alport syndrome (MONDO:0018965), COL4A3-related; No published segregation evidence has been identified for this variant; No published functional evidence has been identified for this variant; No comparable missense variants have previous evidence for pathogenicity; Dominant negative and loss of function are known mechanisms of disease in this gene and are associated with Alport syndrome (MONDO:0018965), COL4A3-related. Glycine changes that are part of a G-X-Y repeat in the triple helix of a collagen domain are known to have a dominant negative effect (PMID: 12028435); Inheritance information for this variant is not currently available in this individual.

Department of Clinical Genetics, Copenhagen University Hospital, Rigshospitalet
Classification: Likely pathogenic for Autosomal dominant Alport syndrome. Last evaluated: 2024-12-13. Review status: criteria provided, single submitter. Criteria: ACMG Guidelines, 2015. Collection method: clinical testing. Allele origin: germline.
Comment: PM1_M, PP3_M, PS4_Sup, PM2_Sup,

Fulgent Genetics
Classification: Likely pathogenic for Autosomal dominant Alport syndrome; Hematuria, benign familial, 2; Alport syndrome 3b, autosomal recessive. Last evaluated: 2023-12-27. Review status: criteria provided, single submitter. Criteria: ACMG Guidelines, 2015. Collection method: clinical testing. Allele origin: germline.

Clinical Genetics Service, Universitary Hospital 12 de Octubre
Classification: Likely pathogenic for Autosomal dominant Alport syndrome. Review status: criteria provided, single submitter. Criteria: ACMG Guidelines, 2015. Collection method: clinical testing. Allele origin: germline. Affected: yes.

Bioscientia Institut fuer Medizinische Diagnostik GmbH, Sonic Healthcare
Classification: Likely pathogenic for Autosomal dominant Alport syndrome. Last evaluated: 2019-04-10. Review status: no assertion criteria provided. Collection method: clinical testing. Allele origin: germline. Affected: yes. Not counted in ClinVar's aggregate classification.

Neuberg Centre For Genomic Medicine, NCGM
Classification: Uncertain significance for Autosomal recessive Alport syndrome. Last evaluated: 2023-03-01. Review status: flagged submission. Criteria: ACMG Guidelines, 2015. Collection method: clinical testing. Allele origin: germline. Inheritance: Autosomal recessive inheritance. Affected: yes. Not counted in ClinVar's aggregate classification.
Comment: The missense c.1909G>A (p.Gly637Arg) variant in the COL4A3 gene has been reported previously in compound heterozygous state in patients affected with Alport syndrome (AS) (Petzold, Friederike et al.,2019). This variant is reported with the allele frequency (0.0008%) in the gnomAD Exomes and novel in 1000 Genomes. It is submitted to ClinVar as Likely Pathogenic/Uncertain Significance. The amino acid Glycine at position 637 is changed to a Arginine changing protein sequence and it might alter its composition and physico-chemical properties. The variant is predicted as damaging by SIFT. The amino acid change p.Gly637Arg in COL4A3 is predicted as conserved by GERP++ and PhyloP across 100 vertebrates. Additional studies are required to prove the pathogenicity of the variant. For these reasons, this variant has been classified as Uncertain Significance.
ClinVar note: Reason: Outlier claim with insufficient supporting evidence

Bioscientia Institut fuer Medizinische Diagnostik GmbH, Sonic Healthcare
Classification: Uncertain significance for Autosomal recessive Alport syndrome. Review status: flagged submission. Collection method: clinical testing. Allele origin: germline. Affected: yes. Not counted in ClinVar's aggregate classification.
ClinVar note: Reason: Unnecessary conflicting claim for distinct condition when other classifications are more relevant

Literature cited by the submitters: PubMed 31477057 (cited by Labcorp Genetics (formerly Invitae), Labcorp and Victorian Clinical Genetics Services, Murdoch Childrens Research Institute); PubMed 34400539 (cited by Labcorp Genetics (formerly Invitae), Labcorp); PubMed 37097554 (cited by 4 submitters); PubMed 38178635 (cited by Natera, Inc.); PubMed 12028435 (cited by Victorian Clinical Genetics Services, Murdoch Childrens Research Institute).

NM_000091.5(COL4A3):c.1909G>A (p.Gly637Arg)

Genes: COL4A3 (collagen type IV alpha 3 chain; plus strand), MFF-DT (MFF divergent transcript; minus strand). Cytogenetic location: 2q36.3.
Variant type: single nucleotide variant.
Coding change: c.1909G>A on transcript NM_000091.5 (MANE Select); coding-DNA position 1909, G replaced by A.
Protein change: p.Gly637Arg; replaces glycine 637 with arginine.
Molecular consequence: missense variant.
Genome position (GRCh38, 1-based): chr2:227,273,099, G>A. VCF-style: chr2-227273099-G-A. GRCh37 (hg19) VCF-style: chr2-228137815-G-A.
Other names: short protein forms G637R.
Identifiers: ClinVar variation 266007 (VCV000266007.19), dbSNP rs761686437, ClinGen allele CA2146782.